The following is an entry in ClinVar:

NM_000069.3(CACNA1S):c.2161A>C (p.Lys721Gln)

Gene: CACNA1S (calcium voltage-gated channel subunit alpha1 S; minus strand). Cytogenetic location: 1q32.1.
Variant type: single nucleotide variant.
Coding change: c.2161A>C on transcript NM_000069.3 (MANE Select); coding-DNA position 2161, A replaced by C.
Protein change: p.Lys721Gln; replaces lysine 721 with glutamine.
Molecular consequence: missense variant.
Genome position (GRCh38, 1-based): chr1:201,072,821, T>G on the plus strand (A>C on the coding strand, the complement: CACNA1S is on the minus strand). VCF-style: chr1-201072821-T-G. GRCh37 (hg19) VCF-style: chr1-201041949-T-G.
Other names: short protein forms K721Q.
Identifiers: ClinVar variation 1908947 (VCV001908947.5), dbSNP rs2464547182, ClinGen allele CA344112714.

ClinVar aggregate classification (germline): Uncertain significance (1 of 4 stars; one submission).

Conditions:
Hypokalemic periodic paralysis, type 1. Also called: Hypokalemic Periodic Paralysis Type 1 (AD); HypoPP. Identifiers: Orphanet 681, MedGen C3714580, MONDO:0042979, OMIM 170400.
Malignant hyperthermia, susceptibility to, 5 (MHS5). Also called: CACNA1S-Related Malignant Hyperthermia Susceptibility. Identifiers: Orphanet 423, MedGen C1866077, MONDO:0011163, OMIM 601887.

Submission:

Labcorp Genetics (formerly Invitae), Labcorp
Classification: Uncertain significance for Hypokalemic periodic paralysis, type 1; Malignant hyperthermia, susceptibility to, 5. Last evaluated: 2022-08-02. Review status: criteria provided, single submitter. Criteria: Invitae Variant Classification Sherloc (09022015). Collection method: clinical testing. Allele origin: germline.
Comment: This sequence change replaces lysine, which is basic and polar, with glutamine, which is neutral and polar, at codon 721 of the CACNA1S protein (p.Lys721Gln). In summary, the available evidence is currently insufficient to determine the role of this variant in disease. Therefore, it has been classified as a Variant of Uncertain Significance. Advanced modeling of protein sequence and biophysical properties (such as structural, functional, and spatial information, amino acid conservation, physicochemical variation, residue mobility, and thermodynamic stability) performed at Invitae indicates that this missense variant is not expected to disrupt CACNA1S protein function. This variant has not been reported in the literature in individuals affected with CACNA1S-related conditions. This variant is not present in population databases (gnomAD no frequency).